The following is an entry in ClinVar:

ClinVar aggregate classification (germline): Uncertain significance (1 of 4 stars; one submission).

Conditions:
Inborn genetic diseases. Identifiers: MedGen C0950123, MeSH D030342.

gnomAD v4.1: 4 of 1,613,562 alleles (0.00025%); highest among the groups gnomAD compares: Non-Finnish European, 0.00034%; no homozygotes.

Submission:

Ambry Genetics
Classification: Uncertain significance for Inborn genetic diseases. Last evaluated: 2025-12-02. Review status: criteria provided, single submitter. Criteria: Ambry Variant Classification Scheme 2023. Collection method: clinical testing. Allele origin: germline.
Comment: The p.A170G variant (also known as c.509C>G), located in coding exon 4 of the SBDS gene, results from a C to G substitution at nucleotide position 509. The alanine at codon 170 is replaced by glycine, an amino acid with similar properties. This amino acid position is conserved. In addition, this alteration is predicted to be deleterious by in silico analysis. Based on the available evidence, the clinical significance of this variant remains unclear.

NM_016038.4(SBDS):c.509C>G (p.Ala170Gly)

Gene: SBDS (SBDS ribosome maturation factor; minus strand). Cytogenetic location: 7q11.21.
Variant type: single nucleotide variant.
Coding change: c.509C>G on transcript NM_016038.4 (MANE Select); coding-DNA position 509, C replaced by G.
Protein change: p.Ala170Gly; replaces alanine 170 with glycine.
Molecular consequence: missense variant.
Genome position (GRCh38, 1-based): chr7:66,991,252, G>C on the plus strand (C>G on the coding strand, the complement: SBDS is on the minus strand). VCF-style: chr7-66991252-G-C. GRCh37 (hg19) VCF-style: chr7-66456239-G-C.
Other names: short protein forms A170G.
Identifiers: ClinVar variation 4630243 (VCV004630243.1).